The following is an entry in ClinVar:

NM_004387.4(NKX2-5):c.271G>T (p.Ala91Ser)

Gene: NKX2-5 (NK2 homeobox 5; minus strand). Cytogenetic location: 5q35.1.
Variant type: single nucleotide variant.
Coding change: c.271G>T on transcript NM_004387.4 (MANE Select); coding-DNA position 271, G replaced by T.
Protein change: p.Ala91Ser; replaces alanine 91 with serine.
Molecular consequence: missense variant.
Genome position (GRCh38, 1-based): chr5:173,234,813, C>A on the plus strand (G>T on the coding strand, the complement: NKX2-5 is on the minus strand). VCF-style: chr5-173234813-C-A. GRCh37 (hg19) VCF-style: chr5-172661816-C-A.
Other names: c.271G>T, p.Ala91Ser (NM_001166175.2, NM_001166176.2); short protein forms A91S.
Identifiers: ClinVar variation 4614705 (VCV004614705.1).

ClinVar aggregate classification (germline): Uncertain significance (1 of 4 stars; one submission).

Conditions:
Cardiovascular phenotype. Identifiers: MedGen CN230736.

Submission:

Ambry Genetics
Classification: Uncertain significance for Cardiovascular phenotype. Last evaluated: 2025-10-12. Review status: criteria provided, single submitter. Criteria: Ambry Variant Classification Scheme 2023. Collection method: clinical testing. Allele origin: germline.
Comment: The p.A91S variant (also known as c.271G>T), located in coding exon 1 of the NKX2-5 gene, results from a G to T substitution at nucleotide position 271. The alanine at codon 91 is replaced by serine, an amino acid with similar properties. This amino acid position is conserved. In addition, this alteration is predicted to be tolerated by in silico analysis. Based on the available evidence, the clinical significance of this variant remains unclear.